The following is an entry in ClinVar:

NM_001042492.3(NF1):c.2993A>C (p.Tyr998Ser)

Gene: NF1 (neurofibromin 1; plus strand). Cytogenetic location: 17q11.2.
Variant type: single nucleotide variant.
Coding change: c.2993A>C on transcript NM_001042492.3 (MANE Select); coding-DNA position 2993, A replaced by C.
Protein change: p.Tyr998Ser; replaces tyrosine 998 with serine.
Molecular consequence: missense variant.
Genome position (GRCh38, 1-based): chr17:31,230,262, A>C. VCF-style: chr17-31230262-A-C. GRCh37 (hg19) VCF-style: chr17-29557280-A-C.
Other names: c.2993A>C, p.Tyr998Ser (NM_000267.4); short protein forms Y998S.
Identifiers: ClinVar variation 480141 (VCV000480141.8), dbSNP rs1555614496, ClinGen allele CA398986509.

ClinVar aggregate classification (germline): Uncertain significance. Review status: criteria provided, multiple submitters, no conflicts (2 of 4 stars). 2 submissions from 2 submitters: Uncertain significance (2). Last evaluated 2023-11-17.

Conditions:
Cardiovascular phenotype. Identifiers: MedGen CN230736.
Hereditary cancer-predisposing syndrome. Also called: Hereditary neoplastic syndrome; Neoplastic Syndromes, Hereditary; Tumor predisposition; Hereditary Cancer Syndrome. Identifiers: Orphanet 140162, MedGen C0027672, MeSH D009386, MONDO:0015356.
Neurofibromatosis, type 1 (NF1). Also called: VON RECKLINGHAUSEN DISEASE; Peripheral type neurofibromatosis; NEUROFIBROMATOSIS, TYPE I, SOMATIC; Neurofibromatosis, type I. Identifiers: Orphanet 636, MedGen C0027831, MONDO:0018975, OMIM 162200. Disease mechanism: loss of function.

Submissions (2):

Labcorp Genetics (formerly Invitae), Labcorp
Classification: Uncertain significance for Neurofibromatosis, type 1. Last evaluated: 2023-11-17. Review status: criteria provided, single submitter. Criteria: Invitae Variant Classification Sherloc (09022015). Collection method: clinical testing. Allele origin: germline.
Comment: This sequence change replaces tyrosine, which is neutral and polar, with serine, which is neutral and polar, at codon 998 of the NF1 protein (p.Tyr998Ser). This variant is not present in population databases (gnomAD no frequency). This variant has not been reported in the literature in individuals affected with NF1-related conditions. ClinVar contains an entry for this variant (Variation ID: 480141). An algorithm developed to predict the effect of missense changes on protein structure and function (PolyPhen-2) suggests that this variant is likely to be disruptive. In summary, the available evidence is currently insufficient to determine the role of this variant in disease. Therefore, it has been classified as a Variant of Uncertain Significance.

Ambry Genetics
Classification: Uncertain significance for Cardiovascular phenotype; Hereditary cancer-predisposing syndrome. Last evaluated: 2016-06-29. Review status: criteria provided, single submitter. Criteria: Ambry Variant Classification Scheme 2023. Collection method: clinical testing. Allele origin: germline.
Comment: The p.Y998S variant (also known as c.2993A>C), located in coding exon 23 of the NF1 gene, results from an A to C substitution at nucleotide position 2993. The tyrosine at codon 998 is replaced by serine, an amino acid with dissimilar properties. This variant was not reported in population based cohorts in the following databases: Database of Single Nucleotide Polymorphisms (dbSNP), NHLBI Exome Sequencing Project (ESP), and 1000 Genomes Project. In the ESP, this variant was not observed in 6497 samples (12994 alleles) with coverage at this position. To date, this alteration has been detected with an allele frequency of approximately 0.001% (greater than 175000 alleles tested) in our clinical cohort. This amino acid position is highly conserved in available vertebrate species. Using the BDGP and ESEfinder splice site prediction tools, this alteration is predicted to weaken the efficiency of the native splice donor site; however, direct evidence is unavailable. In addition, the in silico prediction for this alteration is inconclusive. Since supporting evidence is limited at this time, the clinical significance of this alteration remains unclear.